The following is an entry in ClinVar:

ClinVar aggregate classification (germline): Uncertain significance (1 of 4 stars; one submission).

Conditions:
Cardiovascular phenotype. Identifiers: MedGen CN230736.

Submission:

Molecular Diagnostic Laboratory for Inherited Cardiovascular Disease, Montreal Heart Institute
Classification: Uncertain significance for Cardiovascular phenotype. Last evaluated: 2025-04-09. Review status: criteria provided, single submitter. Criteria: ACMG Guidelines, 2015. Collection method: clinical testing. Allele origin: germline. Affected: yes.
Comment: PM2, PP4

NM_000093.5(COL5A1):c.779A>G (p.Asp260Gly)

Gene: COL5A1 (collagen type V alpha 1 chain; plus strand). Cytogenetic location: 9q34.3.
Variant type: single nucleotide variant.
Coding change: c.779A>G on transcript NM_000093.5 (MANE Select); coding-DNA position 779, A replaced by G.
Protein change: p.Asp260Gly; replaces aspartic acid 260 with glycine.
Molecular consequence: missense variant.
Genome position (GRCh38, 1-based): chr9:134,727,390, A>G. VCF-style: chr9-134727390-A-G. GRCh37 (hg19) VCF-style: chr9-137619236-A-G.
Other names: c.779A>G, p.Asp260Gly (NM_001278074.1); short protein forms D260G.
Identifiers: ClinVar variation 3895296 (VCV003895296.1).